The following is an entry in ClinVar:

ClinVar aggregate classification (germline): Uncertain significance (1 of 4 stars; one submission).

Conditions:
Deficiency of alpha-mannosidase (MANSA). Also called: Mannosidosis, alpha-, types I and II; LYSOSOMAL ALPHA-D-MANNOSIDASE DEFICIENCY; Alpha-Mannosidosis. Identifiers: Orphanet 61, MedGen C0024748, MONDO:0009561, OMIM 248500.

Allele frequency attached by ClinVar (database versions not stated): gnomAD exomes below 0.00001; ExAC 0.00001.
gnomAD v4.1: 4 of 1,613,470 alleles (0.00025%); highest among the groups gnomAD compares: Non-Finnish European, 0.00034%; no homozygotes.

Submission:

Labcorp Genetics (formerly Invitae), Labcorp
Classification: Uncertain significance for Deficiency of alpha-mannosidase. Last evaluated: 2022-08-16. Review status: criteria provided, single submitter. Criteria: Invitae Variant Classification Sherloc (09022015). Collection method: clinical testing. Allele origin: germline.
Comment: This sequence change replaces serine, which is neutral and polar, with threonine, which is neutral and polar, at codon 504 of the MAN2B1 protein (p.Ser504Thr). This variant is present in population databases (rs780657630, gnomAD 0.0009%). This variant has not been reported in the literature in individuals affected with MAN2B1-related conditions. Algorithms developed to predict the effect of missense changes on protein structure and function output the following: SIFT: "Tolerated"; PolyPhen-2: "Benign"; Align-GVGD: "Class C0". The threonine amino acid residue is found in multiple mammalian species, which suggests that this missense change does not adversely affect protein function. In summary, the available evidence is currently insufficient to determine the role of this variant in disease. Therefore, it has been classified as a Variant of Uncertain Significance.

NM_000528.4(MAN2B1):c.1511G>C (p.Ser504Thr)

Gene: MAN2B1 (mannosidase alpha class 2B member 1; minus strand). Cytogenetic location: 19p13.13.
Variant type: single nucleotide variant.
Coding change: c.1511G>C on transcript NM_000528.4 (MANE Select); coding-DNA position 1511, G replaced by C.
Protein change: p.Ser504Thr; replaces serine 504 with threonine.
Molecular consequence: missense variant.
Genome position (GRCh38, 1-based): chr19:12,656,965, C>G on the plus strand (G>C on the coding strand, the complement: MAN2B1 is on the minus strand). VCF-style: chr19-12656965-C-G. GRCh37 (hg19) VCF-style: chr19-12767779-C-G.
Other names: c.1508G>C, p.Ser503Thr (NM_001173498.2); short protein forms S503T, S504T.
Identifiers: ClinVar variation 2155923 (VCV002155923.1), dbSNP rs780657630, ClinGen allele CA9226425.
Genomic context (GRCh38, chr19:12,656,965, plus strand): 5'-TAAAGCCCATCTGCCCTAGATCCACCCCTCCCGTCCCGGCTCACGCGCGCCGCCGTCTGG[C>G]TGAGCGGGCAGATGCTGATGTTTAGCTGTTGGCAAAAGGTGAAGTGATCTTTGAAGCCTC-3'
Protein context (NP_000519.2, residues 494-514): QQLNISICPL[Ser504Thr]QTAARFQVIV